The following is an entry in ClinVar:

ClinVar aggregate classification (germline): Pathogenic (1 of 4 stars; one submission).

Submission:

CeGaT Center for Human Genetics Tuebingen
Classification: Pathogenic. Last evaluated: 2022-10-01. Review status: criteria provided, single submitter. Criteria: CeGaT Center For Human Genetics Tuebingen Variant Classification Criteria Version 2. Collection method: clinical testing. Allele origin: germline. Affected: yes. Observed: 1 variant allele.
Comment: SLC4A11: PVS1, PM2

NM_001174089.2(SLC4A11):c.1154_1161del (p.Thr385fs)

Gene: SLC4A11 (solute carrier family 4 member 11; minus strand). Cytogenetic location: 20p13.
Variant type: Deletion.
Coding change: c.1154_1161del on transcript NM_001174089.2 (MANE Select); coding-DNA positions 1154 to 1161, 8 bases deleted (CAGACGGG; older notation c.1154_1161delCAGACGGG).
Protein change: p.Thr385fs; shifts the reading frame from threonine 385.
Molecular consequence: frameshift variant. On other transcripts: non-coding transcript variant (3).
Genome position (GRCh38, 1-based): chr20:3,230,940-3,230,947, CCCGTCTG deleted on the plus strand (CAGACGGG on the coding strand, the reverse complement: SLC4A11 is on the minus strand). VCF-style (leftmost placement, unchanged base first): chr20-3230939-CCCCGTCTG-C. GRCh37 (hg19) VCF-style: chr20-3211585-CCCCGTCTG-C.
Other names: c.1283_1290del, p.Thr428fs (NM_001174090.2, NM_001400280.1); c.1154_1161del, p.Thr385fs (NM_001363745.2); c.1097_1104del, p.Thr366fs (NM_001400277.1, NM_001400278.1, NM_001400279.1); c.1202_1209del, p.Thr401fs (NM_032034.4); short protein forms T366fs, T385fs, T401fs, T428fs.
Identifiers: ClinVar variation 2652169 (VCV002652169.24), dbSNP rs2514558988, ClinGen allele CA2695201372.